The following is an entry in ClinVar:

ClinVar aggregate classification (germline): Uncertain significance. Review status: criteria provided, multiple submitters, no conflicts (2 of 4 stars). 4 submissions from 4 submitters: Uncertain significance (4). Last evaluated 2025-05-23.

Conditions:
Marfan syndrome (MFS). Also called: MARFAN SYNDROME, TYPE I; Marfan syndrome type 1; Marfan's syndrome; Marfan syndrome, classic; FBN1-Related Marfan Syndrome. Identifiers: Orphanet 284963, Orphanet 558, MedGen C0024796, MONDO:0007947, OMIM 154700.
Familial thoracic aortic aneurysm and aortic dissection (TAAD). Also called: Thoracic aortic aneurysms and dissections. Identifiers: Orphanet 91387, MedGen C4707243, MONDO:0019625.

Allele frequency attached by ClinVar (database versions not stated): gnomAD 0.00001; gnomAD exomes 0.00001; TOPMed 0.00001; ExAC 0.00001.
gnomAD v4.1: 11 of 1,613,670 alleles (0.00068%); highest among the groups gnomAD compares: Non-Finnish European, 0.00093%; no homozygotes.

Submissions (4):

Color Diagnostics, LLC DBA Color Health
Classification: Uncertain significance for Familial thoracic aortic aneurysm and aortic dissection. Last evaluated: 2025-05-23. Review status: criteria provided, single submitter. Criteria: ACMG Guidelines, 2015. Collection method: clinical testing. Allele origin: germline.
Comment: This missense variant replaces proline with alanine at codon 392 of the FBN1 protein. Computational prediction suggests that this variant may not impact protein structure and function. To our knowledge, functional studies have not been reported for this variant. This variant has not been reported in individuals affected with FBN1-related disorders in the literature. This variant has been identified in 2/250246 chromosomes in the general population by the Genome Aggregation Database (gnomAD). The available evidence is insufficient to determine the role of this variant in disease conclusively. Therefore, this variant is classified as a Variant of Uncertain Significance.

GeneDx
Classification: Uncertain significance. Last evaluated: 2024-10-24. Review status: criteria provided, single submitter. Criteria: GeneDx Variant Classification Process June 2021. Collection method: clinical testing. Allele origin: germline. Affected: yes.
Comment: Has not been previously published as pathogenic or benign to our knowledge; Not observed at significant frequency in large population cohorts (gnomAD); Does not affect a cysteine or calcium-binding residue within an EGF-like domain or a TGF-binding protein domain of the FBN1 gene; cysteine substitutions in the EGF-like domains represent the majority of pathogenic missense changes associated with FBN1-related disorders (PMID: 12938084); In silico analysis supports that this missense variant has a deleterious effect on protein structure/function; This variant is associated with the following publications: (PMID: 35346344, 12938084)

All of Us Research Program, National Institutes of Health
Classification: Uncertain significance for Marfan syndrome. Last evaluated: 2024-05-09. Review status: criteria provided, single submitter. Criteria: ACMG Guidelines, 2015. Collection method: clinical testing. Allele origin: germline. Inheritance: Autosomal dominant inheritance. Observed: 3 variant alleles, 3 heterozygotes.
Comment: This study involves interpretation of variants in research participants for the purpose of population health screening. Participant phenotype was not available at the time of variant classification. Additional details can be found in publication PMID: 35346344, PMCID: PMC8962531

Labcorp Genetics (formerly Invitae), Labcorp
Classification: Uncertain significance for Marfan syndrome; Familial thoracic aortic aneurysm and aortic dissection. Last evaluated: 2021-06-17. Review status: criteria provided, single submitter. Criteria: Invitae Variant Classification Sherloc (09022015). Collection method: clinical testing. Allele origin: germline.
Comment: In summary, the available evidence is currently insufficient to determine the role of this variant in disease. Therefore, it has been classified as a Variant of Uncertain Significance. Advanced modeling of protein sequence and biophysical properties (such as structural, functional, and spatial information, amino acid conservation, physicochemical variation, residue mobility, and thermodynamic stability) performed at Invitae indicates that this missense variant is not expected to disrupt FBN1 protein function. This variant has not been reported in the literature in individuals with FBN1-related conditions. This variant is present in population databases (rs749467972, ExAC 0.002%). This sequence change replaces proline with alanine at codon 392 of the FBN1 protein (p.Pro392Ala). The proline residue is moderately conserved and there is a small physicochemical difference between proline and alanine.

NM_000138.5(FBN1):c.1174C>G (p.Pro392Ala)

Gene: FBN1 (fibrillin 1; minus strand). Cytogenetic location: 15q21.1.
Variant type: single nucleotide variant.
Coding change: c.1174C>G on transcript NM_000138.5 (MANE Select); coding-DNA position 1174, C replaced by G.
Protein change: p.Pro392Ala; replaces proline 392 with alanine.
Molecular consequence: missense variant.
Genome position (GRCh38, 1-based): chr15:48,516,336, G>C on the plus strand (C>G on the coding strand, the complement: FBN1 is on the minus strand). VCF-style: chr15-48516336-G-C. GRCh37 (hg19) VCF-style: chr15-48808533-G-C.
Other names: c.1174C>G (NM_000138.4); short protein forms P392A.
Identifiers: ClinVar variation 1479188 (VCV001479188.12), dbSNP rs749467972, ClinGen allele CA043931.
Genomic context (GRCh38, chr15:48,516,336, plus strand): 5'-CTGGAGGAATGGGGCCAAGGGGTGGGGGAGGATATTCTGGTCTCCCAGGAATTACCATAG[G>C]AACAGAGCACAGCTTGTTGAAATCCTCTAGAAAAACACAACAAAACAAAACACAACAGCT-3'
Protein context (NP_000129.3, residues 382-402): TEDFNKLCSV[Pro392Ala]MVIPGRPEYP